The following is an entry in ClinVar:

NM_003184.4(TAF2):c.83+3A>G

Gene: TAF2 (TATA-box binding protein associated factor 2; minus strand). Cytogenetic location: 8q24.12.
Variant type: single nucleotide variant.
Coding change: c.83+3A>G on transcript NM_003184.4 (MANE Select); 3 bases into the intron after coding-DNA position 83, A replaced by G.
Molecular consequence: intron variant.
Genome position (GRCh38, 1-based): chr8:119,832,479, T>C on the plus strand (A>G on the coding strand, the complement: TAF2 is on the minus strand). VCF-style: chr8-119832479-T-C. GRCh37 (hg19) VCF-style: chr8-120844719-T-C.
Identifiers: ClinVar variation 1030638 (VCV001030638.1), dbSNP rs1826524871, ClinGen allele CA1814882667.

ClinVar aggregate classification (germline): Uncertain significance (1 of 4 stars; one submission).

Conditions:
Microcephaly-thin corpus callosum-intellectual disability syndrome (NEDFCF). Also called: NEURODEVELOPMENTAL DISORDER WITH FEEDING DIFFICULTIES, THIN CORPUS CALLOSUM, AND FOOT DEFORMITY; Intellectual developmental disorder, autosomal recessive 40. Identifiers: Orphanet 397951, MedGen C3810080, MONDO:0014273, OMIM 615599.

Submission:

Baylor Genetics
Classification: Uncertain significance for Microcephaly-thin corpus callosum-intellectual disability syndrome. Last evaluated: 2019-11-21. Review status: criteria provided, single submitter. Criteria: ACMG Guidelines, 2015. Collection method: clinical testing. Allele origin: unknown. Affected: yes.
Comment: This variant was determined to be of uncertain significance according to ACMG Guidelines, 2015 [PMID:25741868].